The following is an entry in ClinVar:

NM_033124.5(DRC2):c.341C>T (p.Ala114Val)

Gene: DRC2 (dynein regulatory complex subunit 2; plus strand). Cytogenetic location: 12q13.12.
Variant type: single nucleotide variant.
Coding change: c.341C>T on transcript NM_033124.5 (MANE Select); coding-DNA position 341, C replaced by T.
Protein change: p.Ala114Val; replaces alanine 114 with valine.
Molecular consequence: missense variant. On other transcripts: 5 prime UTR variant (1).
Genome position (GRCh38, 1-based): chr12:48,914,444, C>T. VCF-style: chr12-48914444-C-T. GRCh37 (hg19) VCF-style: chr12-49308227-C-T.
Other names: c.-89C>T (NM_001286957.2); short protein forms A114V.
Identifiers: ClinVar variation 241745 (VCV000241745.5), dbSNP rs201888145, ClinGen allele CA6543216.
Genomic context (GRCh38, chr12:48,914,444, plus strand): 5'-ACTCTCTCTTTCTGGCCTAGTCTTTAGCTAAAGACCTGTCCGAAGCCGAGGAGCAGTACG[C>T]CCATGCCCTGCGCAGCCACTTGCACAATGTTGACCAGCTCTTGGCCCTGCAGAGGCACCG-3'
Protein context (NP_149115.2, residues 104-124): KDLSEAEEQY[Ala114Val]HALRSHLHNV

ClinVar aggregate classification (germline): Uncertain significance (1 of 4 stars; one submission).

Conditions:
Primary ciliary dyskinesia 27. Also called: CILIARY DYSKINESIA, PRIMARY, 27, WITHOUT SITUS INVERSUS. Identifiers: Orphanet 244, MedGen C3809701, MONDO:0014215, OMIM 615504.

Allele frequency attached by ClinVar (database versions not stated): gnomAD 0.00006; TOPMed 0.00006; gnomAD exomes 0.00007 and 0.00008; ExAC 0.00009.
gnomAD v4.1: 114 of 1,613,948 alleles (0.0071%); highest among the groups gnomAD compares: Middle Eastern, 0.016%; no homozygotes.

Submission:

Labcorp Genetics (formerly Invitae), Labcorp
Classification: Uncertain significance for Primary ciliary dyskinesia 27. Last evaluated: 2024-09-05. Review status: criteria provided, single submitter. Criteria: Invitae Variant Classification Sherloc (09022015). Collection method: clinical testing. Allele origin: germline.
Comment: This sequence change replaces alanine, which is neutral and non-polar, with valine, which is neutral and non-polar, at codon 114 of the CCDC65 protein (p.Ala114Val). The frequency data for this variant in the population databases is considered unreliable, as metrics indicate poor data quality at this position in the gnomAD database. This variant has not been reported in the literature in individuals affected with CCDC65-related conditions. ClinVar contains an entry for this variant (Variation ID: 241745). An algorithm developed to predict the effect of missense changes on protein structure and function (PolyPhen-2) suggests that this variant¬†is likely to be tolerated. In summary, the available evidence is currently insufficient to determine the role of this variant in disease. Therefore, it has been classified as a Variant of Uncertain Significance.